The following is an entry in ClinVar:

NM_001267550.2(TTN):c.74851_74854dup (p.Ser24952delinsLysTer)

Genes: TTN (titin; minus strand), TTN-AS1 (TTN antisense RNA 1; plus strand). Cytogenetic location: 2q31.2.
Variant type: Duplication.
Coding change: c.74851_74854dup on transcript NM_001267550.2 (MANE Select); coding-DNA positions 74851 to 74854, 4 bases duplicated (AATA; older notation c.74851_74854dupAATA).
Protein change: p.Ser24952delinsLysTer.
Molecular consequence: nonsense.
Genome position (GRCh38, 1-based): chr2:178,571,278-178,571,281, TATT duplicated on the plus strand (AATA on the coding strand, the reverse complement: TTN is on the minus strand); duplicating any 4 consecutive bases within chr2:178,571,278-178,571,282 gives the same sequence; the c. name uses the placement nearest the transcript's 3' end. VCF-style (leftmost placement, unchanged base first): chr2-178571277-C-CTATT. GRCh37 (hg19) VCF-style: chr2-179436004-C-CTATT.
Other names: c.69928_69931dup, p.Ser23311delinsLysTer (NM_001256850.1); c.47656_47659dup, p.Ser15887delinsLysTer (NM_003319.4); c.67147_67150dup, p.Ser22384delinsLysTer (NM_133378.4); c.48031_48034dup, p.Ser16012delinsLysTer (NM_133432.3); c.48232_48235dup, p.Ser16079delinsLysTer (NM_133437.4).
Identifiers: ClinVar variation 3763657 (VCV003763657.2).
Genomic context (GRCh38, chr2:178,571,277, plus strand): 5'-CCAGTTGTCTTAAACTTGGTTTGAGGAATAGGTGTTTTATTCAACTTAACCCAGAGGATG[C>CTATT]TATTTCTTTCCTTGCGTTCTAGATGATAGCCAATGACTCTACTTCCTCCATCACTGATTG-3'

ClinVar aggregate classification (germline): Likely pathogenic (1 of 4 stars; one submission).

Conditions:
Autosomal recessive limb-girdle muscular dystrophy type 2J (LGMDR10). Also called: Limb-girdle muscular dystrophy, type 2J; MUSCULAR DYSTROPHY, LIMB-GIRDLE, AUTOSOMAL RECESSIVE 10. Identifiers: Orphanet 140922, MedGen C1837342, MONDO:0012127, OMIM 608807.
Dilated cardiomyopathy 1G (CMD1G). Identifiers: Orphanet 154, MedGen C1858763, MONDO:0011400, OMIM 604145.

Submission:

Labcorp Genetics (formerly Invitae), Labcorp
Classification: Likely pathogenic for Dilated cardiomyopathy 1G; Autosomal recessive limb-girdle muscular dystrophy type 2J. Last evaluated: 2024-04-18. Review status: criteria provided, single submitter. Criteria: Invitae Variant Classification Sherloc (09022015). Collection method: clinical testing. Allele origin: germline.
Comment: This sequence change creates a premature translational stop signal (p.Ser24952Lysfs*2) in the TTN gene. While this is not anticipated to result in nonsense mediated decay, it is expected to create a truncated TTN protein. This variant is not present in population databases (gnomAD no frequency). This variant has not been reported in the literature in individuals affected with TTN-related conditions. This variant is located in the A band of TTN (PMID: 25589632). Truncating variants in this region are significantly overrepresented in patients affected with dilated cardiomyopathy (PMID: 25589632). Truncating variants in this region have also been reported in individuals affected with autosomal recessive centronuclear myopathy (PMID: 23975875). In summary, the currently available evidence indicates that the variant is pathogenic, but additional data are needed to prove that conclusively. Therefore, this variant has been classified as Likely Pathogenic.

Literature cited by the submitters: PubMed 25589632; PubMed 23975875.